The following is an entry in ClinVar:

NM_018406.7(MUC4):c.8305C>G (p.Leu2769Val)

Gene: MUC4 (mucin 4, cell surface associated). Cytogenetic location: 3q29.
Variant type: single nucleotide variant.
Coding change: c.8305C>G on transcript NM_018406.7 (MANE Select); coding-DNA position 8305, C replaced by G.
Protein change: p.Leu2769Val; replaces leucine 2769 with valine.
Molecular consequence: missense variant. On other transcripts: genic upstream transcript variant (2).
Genome position (GRCh38, 1-based): chr3:195,783,275, G>C on the plus strand (C>G on the coding strand, the complement: MUC4 is on the minus strand). VCF-style: chr3-195783275-G-C. GRCh37 (hg19) VCF-style: chr3-195510146-G-C.
Other names: c.83-8970C>G (NM_138297.5); c.83-4820C>G (NM_004532.6); c.12064C>G, p.Leu4022Val (NM_001322468.1); short protein forms L2769V, L4022V.
Identifiers: ClinVar variation 2654448 (VCV002654448.24), dbSNP rs199750921, ClinGen allele CA2771660.
Genomic context (GRCh38, chr3:195,783,275, plus strand): 5'-TGGTGACATGAAGAGGGGTGGCGTGACCTGTGGATACTGAGGAAGTGTTGGTGACAGGAA[G>C]AGGGGTGGCGTGACCTGTGGATGCTGAGGAAGTGTCGGTGACAGGAAGAGGGGTGGTGTC-3'
Protein context (NP_060876.5, residues 2759-2779): SSASTGHATP[Leu2769Val]PVTNTSSVST

ClinVar aggregate classification (germline): Likely benign (1 of 4 stars; one submission).

Allele frequency attached by ClinVar (database versions not stated): gnomAD 0.00009; ExAC 0.00330.

Submission:

CeGaT Center for Human Genetics Tuebingen
Classification: Likely benign. Last evaluated: 2023-08-01. Review status: criteria provided, single submitter. Criteria: CeGaT Center For Human Genetics Tuebingen Variant Classification Criteria Version 2. Collection method: clinical testing. Allele origin: germline. Affected: yes. Observed: 1 variant allele.
Comment: MUC4: BS2